The following is an entry in ClinVar:

ClinVar aggregate classification (germline): Pathogenic (0 of 4 stars; one submission).

Conditions:
Charcot-Marie-Tooth disease type 4H (CMT4H). Also called: CHARCOT-MARIE-TOOTH DISEASE, AUTOSOMAL RECESSIVE, TYPE 4H; CHARCOT-MARIE-TOOTH DISEASE, DEMYELINATING, AUTOSOMAL RECESSIVE, TYPE 4H; CHARCOT-MARIE-TOOTH NEUROPATHY, TYPE 4H; CHARCOT-MARIE-TOOTH DISEASE, DEMYELINATING, TYPE 4H. Identifiers: Orphanet 99954, MedGen C1836336, MONDO:0012250, OMIM 609311.

Submission:

Unit of Genetics and Genomics of Neuromuscular Diseases, Principe Felipe Research Center
Classification: Pathogenic for Charcot-Marie-Tooth disease, type 4H. Last evaluated: 2018-11-30. Review status: no assertion criteria provided. Collection method: clinical testing. Allele origin: germline. Inheritance: Autosomal recessive inheritance. Affected: yes. Observed: 2 variant alleles, 2 compound heterozygotes. Clinical features observed: Demyelinating peripheral neuropathy (HP:0007108), Abnormal peripheral nervous system morphology (HP:0000759), Polyneuropathy (HP:0001271), Pes cavus (HP:0001761).
Comment: The variant NM_139241.2:c.2211dupA is predicted to generate a truncated protein (p.A738Sfs*5), and it has been identified in compound heterozygosity with a second frameshift variant (p.A172Gfs*28).

NM_001370298.3(FGD4):c.2622dup (p.Ala875fs)

Gene: FGD4 (FYVE, RhoGEF and PH domain containing 4; plus strand). Cytogenetic location: 12p11.21.
Variant type: Duplication.
Coding change: c.2622dup on transcript NM_001370298.3 (MANE Select); coding-DNA position 2622, one base duplicated (A; older notation c.2622dupA).
Protein change: p.Ala875fs; shifts the reading frame from alanine 875.
Molecular consequence: frameshift variant.
Genome position (GRCh38, 1-based): chr12:32,640,443, A duplicated. VCF-style (leftmost placement, unchanged base first): chr12-32640442-T-TA. GRCh37 (hg19) VCF-style: chr12-32793376-T-TA.
Other names: c.2466dup, p.Ala823Serfs (NM_001304481.2); c.1179dup, p.Ala394fs (NM_001304484.2); c.1932dup, p.Ala645fs (NM_001330373.2, NM_001330374.2, NM_001384130.1); c.1659dup, p.Ala554fs (NM_001370297.1); c.2622dup, p.Ala875fs (NM_001384126.1); c.2211dup, p.Ala738fs (NM_001384127.1, NM_001384128.1, NM_001385118.1 and 1 more transcripts); short protein forms A554fs, A738fs, A823fs, A645fs, A394fs, A875fs.
Identifiers: ClinVar variation 598939 (VCV000598939.4), dbSNP rs1565942358, ClinGen allele CA913190605.
Genomic context (GRCh38, chr12:32,640,442, plus strand): 5'-TGCACAGCTTTGCTGCAGACAGTGAGGAACTGAAGCAGAAGTGGCTGAAAGTCATCCTTT[T>TA]AGCTGTCACAGGTGAGACACCAGGTGGTCCAAATGAGCATCCAGCCACCTTGGATGATCA-3'